The following is an entry in ClinVar:

NM_000059.4(BRCA2):c.6475C>T (p.Gln2159Ter)

Gene: BRCA2 (BRCA2 DNA repair associated; plus strand). Cytogenetic location: 13q13.1.
Variant type: single nucleotide variant.
Coding change: c.6475C>T on transcript NM_000059.4 (MANE Select); coding-DNA position 6475, C replaced by T.
Protein change: p.Gln2159Ter; replaces glutamine 2159 with a stop codon.
Molecular consequence: nonsense.
Genome position (GRCh38, 1-based): chr13:32,340,830, C>T. VCF-style: chr13-32340830-C-T. GRCh37 (hg19) VCF-style: chr13-32914967-C-T.
Other names: 6594C>T; short protein forms Q2159*.
Identifiers: ClinVar variation 186784 (VCV000186784.6), dbSNP rs398122558, ClinGen allele CA024094.

ClinVar aggregate classification (germline): Pathogenic. Review status: reviewed by expert panel (3 of 4 stars). 2 submissions from 2 submitters: Pathogenic (1). 1 of the submissions does not count toward it. Last evaluated 2016-04-22.

Conditions:
Hereditary cancer-predisposing syndrome. Also called: Hereditary Cancer Syndrome; Neoplastic Syndromes, Hereditary; Tumor predisposition; Hereditary neoplastic syndrome. Identifiers: Orphanet 140162, MedGen C0027672, MeSH D009386, MONDO:0015356.
Breast-ovarian cancer, familial, susceptibility to, 2 (BROVCA2). Also called: BRCA2 Hereditary Breast and Ovarian Cancer. Identifiers: Orphanet 145, MedGen C2675520, MONDO:0012933, OMIM 612555. Disease mechanism: loss of function.

Submissions (2):

Evidence-based Network for the Interpretation of Germline Mutant Alleles (ENIGMA)
Classification: Pathogenic for Breast-ovarian cancer, familial, susceptibility to, 2. Last evaluated: 2016-04-22. Review status: reviewed by expert panel. Criteria: ENIGMA BRCA1/2 Classification Criteria (2015). Collection method: curation. Allele origin: germline.
Comment: Variant allele predicted to encode a truncated non-functional protein.

Ambry Genetics
Classification: Pathogenic for Hereditary cancer-predisposing syndrome. Last evaluated: 2014-10-22. Review status: criteria provided, single submitter. Criteria: Ambry Variant Classification Scheme 2023. Collection method: clinical testing. Allele origin: germline. Not counted in ClinVar's aggregate classification.
Comment: The p.Q2159* pathogenic mutation (also known as c.6475C>T), located in coding exon 10 of the BRCA2 gene, results from a C to T substitution at nucleotide position 6475. This changes the amino acid from a glutamine to a stop codon within coding exon 10. Since premature stop codons are typically deleterious in nature, this alteration is interpreted as a disease-causing mutation (ACMG Recommendations for Standards for Interpretation and Reporting of Sequence Variations. Revision 2007. Genet Med. 2008;10:294).